The following is an entry in ClinVar:

NM_001101.5(ACTB):c.537C>G (p.Asp179Glu)

Gene: ACTB (actin beta; minus strand). Cytogenetic location: 7p22.1.
Variant type: single nucleotide variant.
Coding change: c.537C>G on transcript NM_001101.5 (MANE Select); coding-DNA position 537, C replaced by G.
Protein change: p.Asp179Glu; replaces aspartic acid 179 with glutamic acid.
Molecular consequence: missense variant.
Genome position (GRCh38, 1-based): chr7:5,528,546, G>C on the plus strand (C>G on the coding strand, the complement: ACTB is on the minus strand). VCF-style: chr7-5528546-G-C. GRCh37 (hg19) VCF-style: chr7-5568177-G-C.
Other names: c.537C>G (LRG_132t1); short protein forms D179E.
Identifiers: ClinVar variation 208776 (VCV000208776.12), dbSNP rs797044950, ClinGen allele CA204883.

ClinVar aggregate classification (germline): Uncertain significance. Review status: criteria provided, multiple submitters, no conflicts (2 of 4 stars). 2 submissions from 2 submitters: Uncertain significance (2). Last evaluated 2023-08-03.

Conditions:
Inborn genetic diseases. Identifiers: MedGen C0950123, MeSH D030342.
Baraitser-Winter syndrome 1 (BRWS1). Also called: BARAITSER-WINTER SYNDROME 1, ATYPICAL; PACHYGYRIA, MENTAL RETARDATION, EPILEPSY, AND CHARACTERISTIC FACIES; MENTAL RETARDATION WITH EPILEPSY AND CHARACTERISTIC FACIES; Cerebrofrontofacial syndrome. Identifiers: Orphanet 2649, Orphanet 2995, MedGen C1855722, MONDO:0009470, OMIM 243310.

Submissions (2):

Ambry Genetics
Classification: Uncertain significance for Inborn genetic diseases. Last evaluated: 2023-08-03. Review status: criteria provided, single submitter. Criteria: Ambry Variant Classification Scheme 2023. Collection method: clinical testing. Allele origin: germline.
Comment: The c.537C>G (p.D179E) alteration is located in exon 4 (coding exon 3) of the ACTB gene. This alteration results from a C to G substitution at nucleotide position 537, causing the aspartic acid (D) at amino acid position 179 to be replaced by a glutamic acid (E). This variant was not reported in population-based cohorts in the Genome Aggregation Database (gnomAD). This amino acid position is highly conserved in available vertebrate species. This missense alteration is located in a region that has a low rate of benign missense variation (Lek, 2016; Firth, 2009). Based on internal structural analysis, the p.D179E variant is mildly destabilizing to the local structure (Ambry internal data). The in silico prediction for this alteration is inconclusive. Based on insufficient or conflicting evidence, the clinical significance of this alteration remains unclear.

Labcorp Genetics (formerly Invitae), Labcorp
Classification: Uncertain significance for Baraitser-Winter syndrome 1. Last evaluated: 2021-04-25. Review status: criteria provided, single submitter. Criteria: Invitae Variant Classification Sherloc (09022015). Collection method: clinical testing. Allele origin: germline.
Comment: In summary, the available evidence is currently insufficient to determine the role of this variant in disease. Therefore, it has been classified as a Variant of Uncertain Significance. Experimental studies have shown that this variant does not substantially affect ACTB protein function (PMID: 26713879). This sequence change replaces aspartic acid with glutamic acid at codon 179 of the ACTB protein (p.Asp179Glu). The aspartic acid residue is highly conserved and there is a small physicochemical difference between aspartic acid and glutamic acid. This variant is not present in population databases (ExAC no frequency). This variant has been observed in individual(s) with clinical features of ACTB-related conditions (PMID: 26795593). ClinVar contains an entry for this variant (Variation ID: 208776).

Literature cited by the submitters: PubMed 26713879 (cited by Labcorp Genetics (formerly Invitae), Labcorp); PubMed 26795593 (cited by Labcorp Genetics (formerly Invitae), Labcorp).